The following is an entry in ClinVar:

NM_020937.4(FANCM):c.1763T>G (p.Ile588Ser)

Gene: FANCM (FA complementation group M; plus strand). Cytogenetic location: 14q21.2.
Variant type: single nucleotide variant.
Coding change: c.1763T>G on transcript NM_020937.4 (MANE Select); coding-DNA position 1763, T replaced by G.
Protein change: p.Ile588Ser; replaces isoleucine 588 with serine.
Molecular consequence: missense variant.
Genome position (GRCh38, 1-based): chr14:45,164,540, T>G. VCF-style: chr14-45164540-T-G. GRCh37 (hg19) VCF-style: chr14-45633743-T-G.
Other names: c.1685T>G, p.Ile562Ser (NM_001308133.2); c.1763T>G, p.Ile588Ser (NM_001308134.2); short protein forms I562S, I588S.
Identifiers: ClinVar variation 2738181 (VCV002738181.3), dbSNP rs2503141589, ClinGen allele CA389594187.

ClinVar aggregate classification (germline): Uncertain significance (1 of 4 stars; one submission).

Conditions:
Fanconi anemia (FA). Also called: Fanconi's anemia. Identifiers: Orphanet 84, MedGen C0015625, MeSH D005199, MONDO:0019391.

Submission:

Labcorp Genetics (formerly Invitae), Labcorp
Classification: Uncertain significance for Fanconi anemia. Last evaluated: 2023-07-08. Review status: criteria provided, single submitter. Criteria: Invitae Variant Classification Sherloc (09022015). Collection method: clinical testing. Allele origin: germline.
Comment: An algorithm developed to predict the effect of missense changes on protein structure and function (PolyPhen-2) suggests that this variant is likely to be disruptive. This variant has not been reported in the literature in individuals affected with FANCM-related conditions. This variant is not present in population databases (gnomAD no frequency). This sequence change replaces isoleucine, which is neutral and non-polar, with serine, which is neutral and polar, at codon 588 of the FANCM protein (p.Ile588Ser). In summary, the available evidence is currently insufficient to determine the role of this variant in disease. Therefore, it has been classified as a Variant of Uncertain Significance.